The following is an entry in ClinVar:

NM_004456.5(EZH2):c.484+2T>G

Gene: EZH2 (enhancer of zeste 2 polycomb repressive complex 2 subunit; minus strand). Cytogenetic location: 7q36.1.
Variant type: single nucleotide variant.
Coding change: c.484+2T>G on transcript NM_004456.5 (MANE Select); the canonical splice donor site of the intron after coding-DNA position 484, T replaced by G.
Molecular consequence: splice donor variant.
Genome position (GRCh38, 1-based): chr7:148,829,726, A>C on the plus strand (T>G on the coding strand, the complement: EZH2 is on the minus strand). VCF-style: chr7-148829726-A-C. GRCh37 (hg19) VCF-style: chr7-148526818-A-C.
Other names: c.457+2T>G (NM_001203248.2, NM_001203249.2); c.367+2T>G (NM_152998.3); c.484+2T>G (NM_001203247.2).
Identifiers: ClinVar variation 5040437 (VCV005040437.1).
Genomic context (GRCh38, chr7:148,829,726, plus strand): 5'-TAAACAAAAGTGTCTCTCAATTCTTTAGCCCCTTTTTCCAAGAGAAGAAGCATATGGCTC[A>C]CCTCTATCCCCGTGTACTTTCCCATCATAATTTTTTATTAGTTCTTCAATGAAAGTACCA-3'

ClinVar aggregate classification (germline): Likely pathogenic (1 of 4 stars; one submission).

Submission:

CeGaT Center for Human Genetics Tuebingen
Classification: Likely pathogenic. Last evaluated: 2026-08-01. Review status: criteria provided, single submitter. Criteria: CeGaT Center For Human Genetics Tuebingen Variant Classification Criteria Version 2. Collection method: clinical testing. Allele origin: germline. Affected: yes. Observed: 1 variant allele.
Comment: EZH2: PVS1:Strong, PM2